The following is an entry in ClinVar:

NM_001010909.5(MUC21):c.936C>T (p.Ala312=)

Genes: MUC21 (mucin 21, cell surface associated; plus strand), LOC126859647 (CDK7 strongly-dependent group 2 enhancer GRCh37_chr6:30954612-30955811; plus strand). Cytogenetic location: 6p21.33.
Variant type: single nucleotide variant.
Coding change: c.936C>T on transcript NM_001010909.5 (MANE Select); coding-DNA position 936, C replaced by T.
Protein change: p.Ala312=; no amino-acid change (alanine 312 retained).
Molecular consequence: synonymous variant. On other transcripts: non-coding transcript variant (1).
Genome position (GRCh38, 1-based): chr6:30,987,111, C>T. VCF-style: chr6-30987111-C-T. GRCh37 (hg19) VCF-style: chr6-30954888-C-T.
Identifiers: ClinVar variation 4533442 (VCV004533442.6).

ClinVar aggregate classification (germline): Likely benign (1 of 4 stars; one submission).

Submission:

CeGaT Center for Human Genetics Tuebingen
Classification: Likely benign. Last evaluated: 2026-09-01. Review status: criteria provided, single submitter. Criteria: CeGaT Center For Human Genetics Tuebingen Variant Classification Criteria Version 2. Collection method: clinical testing. Allele origin: germline. Affected: yes. Observed: 3 variant alleles.
Comment: MUC21: BP4, BP7